The following is an entry in ClinVar:

ClinVar aggregate classification (germline): Pathogenic (1 of 4 stars; one submission).

Submission:

GeneDx
Classification: Pathogenic. Last evaluated: 2016-05-11. Review status: criteria provided, single submitter. Criteria: GeneDx Variant Classification (06012015). Collection method: clinical testing. Allele origin: germline. Affected: yes.
Comment: The c.2994+2T>C pathogenic variant in the LRP6 gene has not been reported previously as a pathogenic variant nor as a benign variant, to our knowledge. This splice site variant destroys the canonical splice donor site in intron 13. It is predicted to cause abnormal gene splicing, either leading to an abnormal message that is subject to nonsense-mediated mRNA decay, or to an abnormal protein product if the message is used for protein translation. The c.2994+2T>C variant was not observed in approximately 6500 individuals of European and African American ancestry in the NHLBI Exome Sequencing Project, indicating it is not a common benign variant in these populations. We interpret c.2994+2T>C as a pathogenic variant

NM_002336.3(LRP6):c.2994+2T>C

Gene: LRP6 (LDL receptor related protein 6; minus strand). Cytogenetic location: 12p13.2.
Variant type: single nucleotide variant.
Coding change: c.2994+2T>C on transcript NM_002336.3 (MANE Select); the canonical splice donor site of the intron after coding-DNA position 2994, T replaced by C.
Molecular consequence: splice donor variant.
Genome position (GRCh38, 1-based): chr12:12,150,834, A>G on the plus strand (T>C on the coding strand, the complement: LRP6 is on the minus strand). VCF-style: chr12-12150834-A-G. GRCh37 (hg19) VCF-style: chr12-12303768-A-G.
Other names: c.2994+2T>C (NM_001414245.1, NM_001414251.1, NM_001414246.1 and 4 more transcripts); c.2541+2T>C (NM_001414253.1, NM_001414252.1, NM_001414254.1); c.2796+2T>C (NM_001414247.1); c.2487+2T>C (NM_001414255.1).
Identifiers: ClinVar variation 280603 (VCV000280603.2), dbSNP rs1555106788, ClinGen allele CA10603298.